The following is an entry in ClinVar:

ClinVar aggregate classification (germline): Pathogenic (1 of 4 stars; one submission).

Conditions:
Global developmental delay with speech and behavioral abnormalities. Identifiers: MedGen C5543226, MONDO:0030995, OMIM 619243.

Submission:

Juno Genomics, Hangzhou Juno Genomics, Inc
Classification: Pathogenic for Global developmental delay with speech and behavioral abnormalities. Review status: criteria provided, single submitter. Criteria: ACMG Guidelines, 2015. Collection method: clinical testing. Allele origin: germline. Affected: yes.
Comment: Null variant in a gene where loss of function (LOF) is a known mechanism of disease.;Absent from controls (or at extremely low frequency if recessive) in Genome Aggregation Database, Exome Sequencing Project, 1000 Genomes Project, or Exome Aggregation Consortium.;Patient's phenotype or family history is highly specific for a disease with a single genetic etiology.

NM_001162501.2(TNRC6B):c.3820C>T (p.Gln1274Ter)

Gene: TNRC6B (trinucleotide repeat containing adaptor 6B; plus strand). Cytogenetic location: 22q13.1.
Variant type: single nucleotide variant.
Coding change: c.3820C>T on transcript NM_001162501.2 (MANE Select); coding-DNA position 3820, C replaced by T.
Protein change: p.Gln1274Ter; replaces glutamine 1274 with a stop codon.
Molecular consequence: nonsense.
Genome position (GRCh38, 1-based): chr22:40,300,566, C>T. VCF-style: chr22-40300566-C-T. GRCh37 (hg19) VCF-style: chr22-40696570-C-T.
Other names: c.1408C>T, p.Gln470Ter (NM_001024843.2); c.3490C>T, p.Gln1164Ter (NM_015088.3); short protein forms Q1164*, Q1274*, Q470*.
Identifiers: ClinVar variation 3382869 (VCV003382869.2).
Genomic context (GRCh38, chr22:40,300,566, plus strand): 5'-CTTTTCAATGTGGGGCCCCAGTTATCTCCTCAACAAATTGCCATGCTGAGCCAGCTTCCA[C>T]AAATTCCCCAGTTTCAGTTGGTAAGTAGAAGATTTTCTTCCTGTGGCTAAAAAGGTCATT-3'